The following is an entry in ClinVar:

ClinVar aggregate classification (germline): Pathogenic (1 of 4 stars; one submission).

Conditions:
Multiple congenital exostosis (EXT). Also called: Multiple exostoses; Hereditary multiple exostoses; Hereditary multiple exostosis; Hereditary multiple osteochondromas; MULTIPLE CARTILAGINOUS EXOSTOSES; Multiple osteochondromas. Identifiers: Orphanet 321, MedGen C0015306, MONDO:0005508, HP:0002762.

Submission:

Labcorp Genetics (formerly Invitae), Labcorp
Classification: Pathogenic for Multiple congenital exostosis. Last evaluated: 2018-04-06. Review status: criteria provided, single submitter. Criteria: Invitae Variant Classification Sherloc (09022015). Collection method: clinical testing. Allele origin: germline.
Comment: This sequence change creates a premature translational stop signal (p.Phe266Leufs*7) in the EXT1 gene. It is expected to result in an absent or disrupted protein product. This variant is not present in population databases (ExAC no frequency). This variant has not been reported in the literature in individuals with EXT1-related disease. Loss-of-function variants in EXT1 are known to be pathogenic (PMID: 10679937, 11391482, 19810120). For these reasons, this variant has been classified as Pathogenic.

Literature cited by the submitters: PubMed 10679937; PubMed 11391482; PubMed 19810120.

NM_000127.3(EXT1):c.798del (p.Phe266fs)

Gene: EXT1 (exostosin glycosyltransferase 1; minus strand). Cytogenetic location: 8q24.11.
Variant type: Deletion.
Coding change: c.798del on transcript NM_000127.3 (MANE Select); coding-DNA position 798, one base deleted (C; older notation c.798delC).
Protein change: p.Phe266fs; shifts the reading frame from phenylalanine 266.
Molecular consequence: frameshift variant.
Genome position (GRCh38, 1-based): chr8:118,110,249, G deleted on the plus strand (C on the coding strand, the reverse complement: EXT1 is on the minus strand). VCF-style (leftmost placement, unchanged base first): chr8-118110248-TG-T. GRCh37 (hg19) VCF-style: chr8-119122487-TG-T.
Other names: c.798delC (NM_000127.2); short protein forms F266fs.
Identifiers: ClinVar variation 569738 (VCV000569738.6), dbSNP rs1563659352, ClinGen allele CA891843241.